The following is an entry in ClinVar:

NM_152594.3(SPRED1):c.766C>A (p.Arg256Ser)

Gene: SPRED1 (sprouty related EVH1 domain containing 1; plus strand). Cytogenetic location: 15q14.
Variant type: single nucleotide variant.
Coding change: c.766C>A on transcript NM_152594.3 (MANE Select); coding-DNA position 766, C replaced by A.
Protein change: p.Arg256Ser; replaces arginine 256 with serine.
Molecular consequence: missense variant.
Genome position (GRCh38, 1-based): chr15:38,351,095, C>A. VCF-style: chr15-38351095-C-A. GRCh37 (hg19) VCF-style: chr15-38643296-C-A.
Other names: short protein forms R256S.
Identifiers: ClinVar variation 1505470 (VCV001505470.6), dbSNP rs1331443136, ClinGen allele CA391933194.

ClinVar aggregate classification (germline): Uncertain significance (1 of 4 stars; one submission).

Conditions:
Legius syndrome. Identifiers: Orphanet 137605, MedGen C1969623, MONDO:0012669, OMIM 611431. Disease mechanism: loss of function.

gnomAD v4.1: 2 of 1,613,920 alleles (0.00012%); highest among the groups gnomAD compares: Middle Eastern, 0.016%; no homozygotes.

Submission:

Labcorp Genetics (formerly Invitae), Labcorp
Classification: Uncertain significance for Legius syndrome. Last evaluated: 2021-12-04. Review status: criteria provided, single submitter. Criteria: Invitae Variant Classification Sherloc (09022015). Collection method: clinical testing. Allele origin: germline.
Comment: This sequence change replaces arginine, which is basic and polar, with serine, which is neutral and polar, at codon 256 of the SPRED1 protein (p.Arg256Ser). This variant is not present in population databases (gnomAD no frequency). This variant has not been reported in the literature in individuals affected with SPRED1-related conditions. Algorithms developed to predict the effect of missense changes on protein structure and function are either unavailable or do not agree on the potential impact of this missense change (SIFT: "Tolerated"; PolyPhen-2: "Possibly Damaging"; Align-GVGD: "Class C0"). In summary, the available evidence is currently insufficient to determine the role of this variant in disease. Therefore, it has been classified as a Variant of Uncertain Significance.